The following is an entry in ClinVar:

NM_018263.6(ASXL2):c.1756C>T (p.Arg586Cys)

Gene: ASXL2 (ASXL transcriptional regulator 2; minus strand). Cytogenetic location: 2p23.3.
Variant type: single nucleotide variant.
Coding change: c.1756C>T on transcript NM_018263.6 (MANE Select); coding-DNA position 1756, C replaced by T.
Protein change: p.Arg586Cys; replaces arginine 586 with cysteine.
Molecular consequence: missense variant.
Genome position (GRCh38, 1-based): chr2:25,749,800, G>A on the plus strand (C>T on the coding strand, the complement: ASXL2 is on the minus strand). VCF-style: chr2-25749800-G-A. GRCh37 (hg19) VCF-style: chr2-25972669-G-A.
Other names: c.1582C>T, p.Arg528Cys (NM_001369346.1); c.976C>T, p.Arg326Cys (NM_001369347.1); c.1756C>T (NM_018263.4); short protein forms R326C, R528C, R586C.
Identifiers: ClinVar variation 2168483 (VCV002168483.5), dbSNP rs369844902, ClinGen allele CA1557769.
Genomic context (GRCh38, chr2:25,749,800, plus strand): 5'-TGAGAAAGGGCTGTGGTGAGACCTGAAATGGCTGCTGGTGCTGGCGATTCTCAGTGACAC[G>A]TGGCCTCTTCTCCCAGCTCACAGGGGCCTCTTCTTGGGTGAGGGAAGACTTCCTCTTGAG-3'
Protein context (NP_060733.4, residues 576-596): EAPVSWEKRP[Arg586Cys]VTENRQHQQP

ClinVar aggregate classification (germline): Conflicting classifications of pathogenicity. Review status: criteria provided, conflicting classifications (1 of 4 stars). 2 submissions from 2 submitters: Uncertain significance (1); Likely benign (1). Last evaluated 2022-11-01.

Conditions:
Inborn genetic diseases. Identifiers: MedGen C0950123, MeSH D030342.

Allele frequency attached by ClinVar (database versions not stated): ExAC 0.00003; gnomAD 0.00005; gnomAD exomes 0.00006; TOPMed 0.00007; ESP Exome Variant Server 0.00016.
gnomAD v4.1: 89 of 1,608,922 alleles (0.0055%); highest among the groups gnomAD compares: Non-Finnish European, 0.0068%; no homozygotes.

Submissions (2):

Ambry Genetics
Classification: Likely benign for Inborn genetic diseases. Last evaluated: 2022-11-01. Review status: criteria provided, single submitter. Criteria: Ambry Variant Classification Scheme 2023. Collection method: clinical testing. Allele origin: germline.

Labcorp Genetics (formerly Invitae), Labcorp
Classification: Uncertain significance. Last evaluated: 2022-10-25. Review status: criteria provided, single submitter. Criteria: Invitae Variant Classification Sherloc (09022015). Collection method: clinical testing. Allele origin: germline.
Comment: In summary, the available evidence is currently insufficient to determine the role of this variant in disease. Therefore, it has been classified as a Variant of Uncertain Significance. Advanced modeling of protein sequence and biophysical properties (such as structural, functional, and spatial information, amino acid conservation, physicochemical variation, residue mobility, and thermodynamic stability) performed at Invitae indicates that this missense variant is not expected to disrupt ASXL2 protein function. This variant has not been reported in the literature in individuals affected with ASXL2-related conditions. This variant is present in population databases (rs369844902, gnomAD 0.02%). This sequence change replaces arginine, which is basic and polar, with cysteine, which is neutral and slightly polar, at codon 586 of the ASXL2 protein (p.Arg586Cys).